The following is an entry in ClinVar:

NM_001370595.2(COA8):c.124-91G>A

Gene: COA8 (cytochrome c oxidase assembly factor 8; plus strand). Cytogenetic location: 14q32.33.
Variant type: single nucleotide variant.
Coding change: c.124-91G>A on transcript NM_001370595.2 (MANE Select); 91 bases into the intron before coding-DNA position 124, G replaced by A.
Molecular consequence: intron variant.
Genome position (GRCh38, 1-based): chr14:103,571,532, G>A. VCF-style: chr14-103571532-G-A. GRCh37 (hg19) VCF-style: chr14-104037869-G-A.
Other names: c.163-91G>A (NM_032374.4); c.124-91G>A (NM_001302653.2, NM_001302654.2).
Identifiers: ClinVar variation 677059 (VCV000677059.1), dbSNP rs7149566, ClinGen allele CA391112828.

ClinVar aggregate classification (germline): Benign (1 of 4 stars; one submission).

Allele frequency attached by ClinVar (database versions not stated): gnomAD 0.02231 and 0.02389; TOPMed 0.02440; 1000 Genomes Project 0.02476; 1000 Genomes Project 30x 0.02530.
gnomAD v4.1: 5,798 of 1,312,508 alleles (0.44%); highest among the groups gnomAD compares: African/African-American, 7.5%; 185 homozygotes.

Submission:

GeneDx
Classification: Benign. Last evaluated: 2018-06-16. Review status: criteria provided, single submitter. Criteria: GeneDx Variant Classification (06012015). Collection method: clinical testing. Allele origin: germline. Affected: yes.
Comment: This variant is considered likely benign or benign based on one or more of the following criteria: it is a conservative change, it occurs at a poorly conserved position in the protein, it is predicted to be benign by multiple in silico algorithms, and/or has population frequency not consistent with disease.